The following is an entry in ClinVar:

NM_054027.6(ANKH):c.*2107A>G

Genes: OTULIN (OTU deubiquitinase with linear linkage specificity; plus strand), ANKH (ANKH inorganic pyrophosphate transport regulator; minus strand). Cytogenetic location: 5p15.2.
Variant type: single nucleotide variant.
Coding change: c.*2107A>G on transcript NM_054027.6 (MANE Select); 2107 bases downstream of the stop codon, A replaced by G.
Molecular consequence: 3 prime UTR variant.
Genome position (GRCh38, 1-based): chr5:14,709,090, T>C on the plus strand (A>G on the coding strand, the complement: ANKH is on the minus strand). VCF-style: chr5-14709090-T-C. GRCh37 (hg19) VCF-style: chr5-14709199-T-C.
Identifiers: ClinVar variation 351457 (VCV000351457.6), dbSNP rs25991, ClinGen allele CA10623031.

ClinVar aggregate classification (germline): Benign. Review status: criteria provided, multiple submitters, no conflicts (2 of 4 stars). 3 submissions from 2 submitters: Benign (3). Last evaluated 2018-01-12.

Conditions:
Chondrocalcinosis 2. Also called: CALCIUM GOUT; CALCIUM PYROPHOSPHATE ARTHROPATHY; Familial calcium pyrophosphate deposition. Identifiers: Orphanet 1416, MedGen C0856830, MONDO:0007319, OMIM 118600.
Craniometaphyseal dysplasia, autosomal dominant (CMDD). Identifiers: Orphanet 1522, MedGen C1852502, MONDO:0007397, OMIM 123000.

Allele frequency attached by ClinVar (database versions not stated): 1000 Genomes Project 0.96346; 1000 Genomes Project 30x 0.96580; gnomAD 0.99301 and 0.99530; gnomAD exomes 1.00000.
gnomAD v4.1: 151,181 of 152,256 alleles (99%); highest among the groups gnomAD compares: Middle Eastern, 100%; 75,141 homozygotes.

Submissions (3):

Illumina Laboratory Services, Illumina
Classification: Benign for Craniometaphyseal dysplasia, autosomal dominant. Last evaluated: 2018-01-12. Review status: criteria provided, single submitter. Criteria: ICSL Variant Classification Criteria 13 December 2019. Collection method: clinical testing. Allele origin: germline.
Comment: This variant was observed in the ICSL laboratory as part of a predisposition screen in an ostensibly healthy population. It had not been previously curated by ICSL or reported in the Human Gene Mutation Database (HGMD: prior to June 1st, 2018), and was therefore a candidate for classification through an automated scoring system. Utilizing variant allele frequency, disease prevalence and penetrance estimates, and inheritance mode, an automated score was calculated to assess if this variant is too frequent to cause the disease. Based on the score and internal cut-off values, a variant classified as benign is not then subjected to further curation. The score for this variant resulted in a classification of benign for this disease.

Illumina Laboratory Services, Illumina
Classification: Benign for Chondrocalcinosis 2. Last evaluated: 2018-01-12. Review status: criteria provided, single submitter. Criteria: ICSL Variant Classification Criteria 13 December 2019. Collection method: clinical testing. Allele origin: germline.
Comment: the same text as in the submission from Illumina Laboratory Services, Illumina above.

Breakthrough Genomics
Classification: Benign. Review status: criteria provided, single submitter. Criteria: ACMG Guidelines, 2015. Collection method: not provided. Allele origin: germline. Inheritance: Autosomal dominant inheritance. Affected: yes.